The following is an entry in ClinVar:

ClinVar aggregate classification (germline): Likely benign (1 of 4 stars; one submission).

Allele frequency attached by ClinVar (database versions not stated): gnomAD 0.00001; ExAC 0.00002.
gnomAD v4.1: 12 of 1,613,996 alleles (0.00074%); highest among the groups gnomAD compares: South Asian, 0.0044%; no homozygotes.

Submission:

CeGaT Center for Human Genetics Tuebingen
Classification: Likely benign. Last evaluated: 2024-02-01. Review status: criteria provided, single submitter. Criteria: CeGaT Center For Human Genetics Tuebingen Variant Classification Criteria Version 2. Collection method: clinical testing. Allele origin: germline. Affected: yes. Observed: 1 variant allele.
Comment: PLCG2: BP4

NM_002661.5(PLCG2):c.2470G>A (p.Val824Ile)

Gene: PLCG2 (phospholipase C gamma 2; plus strand). Cytogenetic location: 16q23.3.
Variant type: single nucleotide variant.
Coding change: c.2470G>A on transcript NM_002661.5 (MANE Select); coding-DNA position 2470, G replaced by A.
Protein change: p.Val824Ile; replaces valine 824 with isoleucine.
Molecular consequence: missense variant.
Genome position (GRCh38, 1-based): chr16:81,927,134, G>A. VCF-style: chr16-81927134-G-A. GRCh37 (hg19) VCF-style: chr16-81960739-G-A.
Other names: c.2470G>A, p.Val824Ile (NM_001425749.1, NM_001425750.1, NM_001425751.1); short protein forms V824I.
Identifiers: ClinVar variation 3026229 (VCV003026229.22), dbSNP rs776078043, ClinGen allele CA8194285.